The following is an entry in ClinVar:

NM_024715.4(TXNDC15):c.211dup (p.Gln71fs)

Gene: TXNDC15 (thioredoxin domain containing 15; plus strand). Cytogenetic location: 5q31.1.
Variant type: Duplication.
Coding change: c.211dup on transcript NM_024715.4 (MANE Select); coding-DNA position 211, one base duplicated (C; older notation c.211dupC).
Protein change: p.Gln71fs; shifts the reading frame from glutamine 71.
Molecular consequence: frameshift variant.
Genome position (GRCh38, 1-based): chr5:134,887,802, C duplicated; the last of 2 consecutive C bases (chr5:134,887,801-134,887,802); duplicating either gives the same sequence. VCF-style (leftmost placement, unchanged base first): chr5-134887800-G-GC. GRCh37 (hg19) VCF-style: chr5-134223490-G-GC.
Other names: c.7dup, p.Gln3fs (NM_001350735.2); short protein forms Q3fs, Q71fs.
Identifiers: ClinVar variation 1687009 (VCV001687009.5), dbSNP rs780024847, ClinGen allele CA3416800.
Genomic context (GRCh38, chr5:134,887,800, plus strand): 5'-ACCCTCTCCAGGTGGGGGCTGTGTACCTGGGTGAGGAGGAGCTCCTGCATGACCCGATGG[G>GC]CCAGGACAGGGCAGCAGAAGAGGCCAATGCGGTGCTGGGGCTGGACACCCAAGGCGATCA-3'

ClinVar aggregate classification (germline): Pathogenic. Review status: criteria provided, multiple submitters, no conflicts (2 of 4 stars). 3 submissions from 3 submitters: Pathogenic (2). 1 of the submissions does not count toward it. Last evaluated 2026-04-11.

Conditions:
Joubert syndrome and related disorders. Identifiers: Orphanet 140874, MedGen C5679612, MONDO:0015369.
Meckel syndrome 14 (MKS14). Identifiers: MedGen C5676989, MONDO:0030819, OMIM 619879.

Submissions (3):

Institute of Genetic Medicine, Newcastle University
Classification: Pathogenic for Joubert syndrome and related disorders. Last evaluated: 2026-04-11. Review status: criteria provided, single submitter. Criteria: ACMG Guidelines, 2015. Collection method: research. Allele origin: germline. Inheritance: Autosomal recessive inheritance. Affected: yes. Observed: 2 variant alleles.
Comment: PVS1 (frameshift, NMD-predicted in LoF gene); PM2_Supporting (gnomAD v4.1.0 popmax 0.0031%); PM3_Supporting (previously reported in trans with a pathogenic variant in a Meckel syndrome fetus, PMID: 30851085; observed in trans with VUS in two probands in this study). Recurrent LoF allele consistent with MKS14.

Labcorp Genetics (formerly Invitae), Labcorp
Classification: Pathogenic. Last evaluated: 2025-01-16. Review status: criteria provided, single submitter. Criteria: Invitae Variant Classification Sherloc (09022015). Collection method: clinical testing. Allele origin: germline.
Comment: This sequence change creates a premature translational stop signal (p.Gln71Profs*32) in the TXNDC15 gene. It is expected to result in an absent or disrupted protein product. Loss-of-function variants in TXNDC15 are known to be pathogenic (PMID: 27894351, 30851085). This variant is present in population databases (rs780024847, gnomAD 0.006%). This premature translational stop signal has been observed in individual(s) with Meckel–Gruber syndrome (PMID: 30851085). ClinVar contains an entry for this variant (Variation ID: 1687009). For these reasons, this variant has been classified as Pathogenic.

OMIM
Classification: Pathogenic for MECKEL SYNDROME 14. Last evaluated: 2026-08-25. Review status: no assertion criteria provided. Collection method: literature only. Allele origin: germline. Not counted in ClinVar's aggregate classification.

Literature cited by the submitters: PubMed 27894351 (cited by Labcorp Genetics (formerly Invitae), Labcorp); PubMed 30851085 (cited by Labcorp Genetics (formerly Invitae), Labcorp and OMIM).